The following is an entry in ClinVar:

ClinVar aggregate classification (germline): no classifications from unflagged records (0 of 4 stars; one submission).

Conditions:
Meier-Gorlin syndrome 5 (MGORS5). Identifiers: Orphanet 2554, MedGen C3151126, MONDO:0013432, OMIM 613805.

Submission:

OMIM
Classification: Pathogenic for MEIER-GORLIN SYNDROME 5. Last evaluated: 2025-01-24. Review status: flagged submission. Collection method: literature only. Allele origin: germline.
ClinVar note: Notes: Flagging candidate with reason of insufficient supporting evidence. This gene has been classified as having a limited gene-disease relationship by a ClinGen Expert Panel
ClinVar note: Reason: P/LP classification for a variant in a gene with insufficient evidence for a gene-disease relationship

Literature cited by the submitters: PubMed 35023948.

NM_001254.4(CDC6):c.232C>T (p.Gln78Ter)

Gene: CDC6 (cell division cycle 6; plus strand). Cytogenetic location: 17q21.2.
Variant type: single nucleotide variant.
Coding change: c.232C>T on transcript NM_001254.4 (MANE Select); coding-DNA position 232, C replaced by T.
Protein change: p.Gln78Ter; replaces glutamine 78 with a stop codon.
Molecular consequence: nonsense.
Genome position (GRCh38, 1-based): chr17:40,291,111, C>T. VCF-style: chr17-40291111-C-T. GRCh37 (hg19) VCF-style: chr17-38447363-C-T.
Other names: short protein forms Q78*.
Identifiers: ClinVar variation 3600316 (VCV003600316.1).
Genomic context (GRCh38, chr17:40,291,111, plus strand): 5'-GTTTCAGGCGATGACAACCTATGCAACACTCCCCATTTACCTCCTTGTTCTCCACCAAAG[C>T]AAGGCAAGAAAGAGAATGGTCCCCCTCACTCACATACACTTAAGGGACGAAGATTGGTAT-3'